The following is an entry in ClinVar:

NM_001365951.3(KIF1B):c.959-2dup

Gene: KIF1B (kinesin family member 1B; plus strand). Cytogenetic location: 1p36.22.
Variant type: Duplication.
Coding change: c.959-2dup on transcript NM_001365951.3 (MANE Select); the canonical splice acceptor site of the intron before coding-DNA position 959, one base duplicated (A; older notation c.959-2dupA).
Molecular consequence: splice acceptor variant.
Genome position (GRCh38, 1-based): chr1:10,276,319, A duplicated. VCF-style (leftmost placement, unchanged base first): chr1-10276318-T-TA. GRCh37 (hg19) VCF-style: chr1-10336376-T-TA.
Other names: c.941-2dup (NM_183416.4, NM_015074.3, NM_001365953.1); c.959-2dup (NM_001365952.1); c.941-2dupA (NM_015074.3).
Identifiers: ClinVar variation 4858813 (VCV004858813.1).

ClinVar aggregate classification (germline): Uncertain significance (1 of 4 stars; one submission).

Submission:

Ambry Genetics
Classification: Uncertain significance. Last evaluated: 2026-03-18. Review status: criteria provided, single submitter. Criteria: Ambry Variant Classification Scheme 2023. Collection method: clinical testing. Allele origin: germline.
Comment: The c.941-2dupA intronic variant is located two nucleotides before coding exon 10 in the KIF1B gene. This variant results from a duplication of one nucleotide at position c.941-2. This variant does not change the sequence of the canonical acceptor at this splice site. This nucleotide position is highly conserved in available vertebrate species. In silico splice site analysis predicts that this alteration will not have any significant effect on splicing. The evidence for this gene-disease relationship is limited; therefore, the clinical significance of this variant is unclear.